The following is an entry in ClinVar:

ClinVar aggregate classification (germline): Pathogenic (1 of 4 stars; one submission).

Conditions:
Neurofibromatosis, type 1 (NF1). Also called: VON RECKLINGHAUSEN DISEASE; NEUROFIBROMATOSIS, TYPE I, SOMATIC; Peripheral type neurofibromatosis; Neurofibromatosis, type I. Identifiers: Orphanet 636, MedGen C0027831, MONDO:0018975, OMIM 162200. Disease mechanism: loss of function.

Submission:

Labcorp Genetics (formerly Invitae), Labcorp
Classification: Pathogenic for Neurofibromatosis, type 1. Last evaluated: 2019-08-11. Review status: criteria provided, single submitter. Criteria: Invitae Variant Classification Sherloc (09022015). Collection method: clinical testing. Allele origin: germline.
Comment: For these reasons, this variant has been classified as Pathogenic. Loss-of-function variants in NF1 are known to be pathogenic (PMID: 10712197, 23913538). This variant has not been reported in the literature in individuals with NF1-related conditions. This variant is not present in population databases (ExAC no frequency). This sequence change creates a premature translational stop signal (p.Asp2715Metfs*3) in the NF1 gene. It is expected to result in an absent or disrupted protein product.

Literature cited by the submitters: PubMed 10712197; PubMed 23913538.

NM_001042492.3(NF1):c.8203del (p.Asp2736fs)

Gene: NF1 (neurofibromin 1; plus strand). Cytogenetic location: 17q11.2.
Variant type: Deletion.
Coding change: c.8203del on transcript NM_001042492.3 (MANE Select); coding-DNA position 8203, one base deleted (C; older notation c.8203delC).
Protein change: p.Asp2736fs; shifts the reading frame from aspartic acid 2736.
Molecular consequence: frameshift variant.
Genome position (GRCh38, 1-based): chr17:31,360,529, C deleted. VCF-style (leftmost placement, unchanged base first): chr17-31360528-TC-T. GRCh37 (hg19) VCF-style: chr17-29687546-TC-T.
Other names: c.8140delC, p.Asp2715Metfs (NM_000267.4); short protein forms D2715fs, D2736fs.
Identifiers: ClinVar variation 955834 (VCV000955834.6), dbSNP rs2070373881, ClinGen allele CA1139665307.